The following is an entry in ClinVar:

ClinVar aggregate classification (germline): Uncertain significance (1 of 4 stars; one submission).

Submission:

Ambry Genetics
Classification: Uncertain significance. Last evaluated: 2023-12-24. Review status: criteria provided, single submitter. Criteria: Ambry Variant Classification Scheme 2023. Collection method: clinical testing. Allele origin: germline.
Comment: The p.G181R variant (also known as c.541G>A), located in coding exon 4 of the IDH1 gene, results from a G to A substitution at nucleotide position 541. The glycine at codon 181 is replaced by arginine, an amino acid with dissimilar properties. This amino acid position is conserved. In addition, this alteration is predicted to be deleterious by in silico analysis. Since supporting evidence is limited at this time, the clinical significance of this alteration remains unclear.

NM_005896.4(IDH1):c.541G>A (p.Gly181Arg)

Gene: IDH1 (isocitrate dehydrogenase (NADP(+)) 1; minus strand). Cytogenetic location: 2q34.
Variant type: single nucleotide variant.
Coding change: c.541G>A on transcript NM_005896.4 (MANE Select); coding-DNA position 541, G replaced by A.
Protein change: p.Gly181Arg; replaces glycine 181 with arginine.
Molecular consequence: missense variant.
Genome position (GRCh38, 1-based): chr2:208,243,584, C>T on the plus strand (G>A on the coding strand, the complement: IDH1 is on the minus strand). VCF-style: chr2-208243584-C-T. GRCh37 (hg19) VCF-style: chr2-209108308-C-T.
Other names: c.541G>A, p.Gly181Arg (NM_001282386.1, NM_001282387.1); short protein forms G181R.
Identifiers: ClinVar variation 3225145 (VCV003225145.1), dbSNP rs2469022315, ClinGen allele CA350099763.